The following is an entry in ClinVar:

ClinVar aggregate classification (germline): Uncertain significance (1 of 4 stars; one submission).

Conditions:
Regional enteritis. Also called: Enteritis, Granulomatous. Identifiers: MedGen C0678202, MeSH D003424.
Blau syndrome (BLAUS). Also called: GRANULOMATOSIS, FAMILIAL JUVENILE SYSTEMIC; GRANULOMATOSIS, FAMILIAL, BLAU TYPE; GRANULOMATOUS INFLAMMATORY ARTHRITIS, DERMATITIS, AND UVEITIS, FAMILIAL; JABS SYNDROME; ARTHROCUTANEOUVEAL GRANULOMATOSIS. Identifiers: Orphanet 90340, MedGen C5201146, MONDO:0008523, OMIM 186580.

Allele frequency attached by ClinVar (database versions not stated): ExAC 0.00003; gnomAD 0.00003; gnomAD exomes 0.00003 and 0.00004; TOPMed 0.00003; ESP Exome Variant Server 0.00008.
gnomAD v4.1: 55 of 1,613,890 alleles (0.0034%); highest among the groups gnomAD compares: Non-Finnish European, 0.0046%; no homozygotes.

Submission:

Labcorp Genetics (formerly Invitae), Labcorp
Classification: Uncertain significance for Regional enteritis; Blau syndrome. Last evaluated: 2024-12-04. Review status: criteria provided, single submitter. Criteria: Invitae Variant Classification Sherloc (09022015). Collection method: clinical testing. Allele origin: germline.
Comment: This sequence change replaces glutamic acid, which is acidic and polar, with glycine, which is neutral and non-polar, at codon 72 of the NOD2 protein (p.Glu72Gly). This variant is present in population databases (rs138881230, gnomAD 0.006%). This variant has not been reported in the literature in individuals affected with NOD2-related conditions. ClinVar contains an entry for this variant (Variation ID: 1371528). Invitae Evidence Modeling of protein sequence and biophysical properties (such as structural, functional, and spatial information, amino acid conservation, physicochemical variation, residue mobility, and thermodynamic stability) indicates that this missense variant is not expected to disrupt NOD2 protein function with a negative predictive value of 95%. In summary, the available evidence is currently insufficient to determine the role of this variant in disease. Therefore, it has been classified as a Variant of Uncertain Significance.

NM_001370466.1(NOD2):c.134A>G (p.Glu45Gly)

Gene: NOD2 (nucleotide binding oligomerization domain containing 2; plus strand). Cytogenetic location: 16q12.1.
Variant type: single nucleotide variant.
Coding change: c.134A>G on transcript NM_001370466.1 (MANE Select); coding-DNA position 134, A replaced by G.
Protein change: p.Glu45Gly; replaces glutamic acid 45 with glycine.
Molecular consequence: missense variant. On other transcripts: non-coding transcript variant (1).
Genome position (GRCh38, 1-based): chr16:50,699,629, A>G. VCF-style: chr16-50699629-A-G. GRCh37 (hg19) VCF-style: chr16-50733540-A-G.
Other names: c.134A>G, p.Glu45Gly (NM_001293557.2); c.215A>G, p.Glu72Gly (NM_022162.3); short protein forms E72G, E45G.
Identifiers: ClinVar variation 1371528 (VCV001371528.6), dbSNP rs138881230, ClinGen allele CA8051222.
Genomic context (GRCh38, chr16:50,699,629, plus strand): 5'-GCTTCGAGAGTGTCCTGGACTGGCTGCTGTCCTGGGAGGTCCTCTCCTGGGAGGACTACG[A>G]GGGCTTCCACCTCCTGGGCCAGCCTCTCTCCCACTTGGCCAGGCGCCTTCTGGACACCGT-3'
Protein context (NP_001357395.1, residues 35-55): SWEVLSWEDY[Glu45Gly]GFHLLGQPLS